The following is an entry in ClinVar:

ClinVar aggregate classification (germline): Uncertain significance (1 of 4 stars; one submission).

Conditions:
LRP2-related disorder. Also called: LRP2-related condition.

gnomAD v4.1: 36 of 1,613,998 alleles (0.0022%); highest among the groups gnomAD compares: Non-Finnish European, 0.0026%; no homozygotes.

Submission:

PreventionGenetics, part of Exact Sciences
Classification: Uncertain significance for LRP2-related condition. Last evaluated: 2024-12-20. Review status: criteria provided, single submitter. Criteria: ACMG Guidelines, 2015. Collection method: clinical testing. Allele origin: germline.
Comment: The LRP2 c.1031G>A variant is predicted to result in the amino acid substitution p.Arg344His. To our knowledge, this variant has not been reported in the literature. This variant is reported in 0.0054% of alleles in individuals of East Asian descent in gnomAD. At this time, the clinical significance of this variant is uncertain due to the absence of conclusive functional and genetic evidence.

NM_004525.3(LRP2):c.1031G>A (p.Arg344His)

Gene: LRP2 (LDL receptor related protein 2; minus strand). Cytogenetic location: 2q31.1.
Variant type: single nucleotide variant.
Coding change: c.1031G>A on transcript NM_004525.3 (MANE Select); coding-DNA position 1031, G replaced by A.
Protein change: p.Arg344His; replaces arginine 344 with histidine.
Molecular consequence: missense variant.
Genome position (GRCh38, 1-based): chr2:169,289,037, C>T on the plus strand (G>A on the coding strand, the complement: LRP2 is on the minus strand). VCF-style: chr2-169289037-C-T. GRCh37 (hg19) VCF-style: chr2-170145547-C-T.
Other names: short protein forms R344H.
Identifiers: ClinVar variation 4979142 (VCV004979142.1).